The following is an entry in ClinVar:

NM_013314.4(BLNK):c.607+5G>C

Gene: BLNK (B cell linker; minus strand). Cytogenetic location: 10q24.1.
Variant type: single nucleotide variant.
Coding change: c.607+5G>C on transcript NM_013314.4 (MANE Select); 5 bases into the intron after coding-DNA position 607, G replaced by C.
Molecular consequence: intron variant.
Genome position (GRCh38, 1-based): chr10:96,216,648, C>G on the plus strand (G>C on the coding strand, the complement: BLNK is on the minus strand). VCF-style: chr10-96216648-C-G. GRCh37 (hg19) VCF-style: chr10-97976404-C-G.
Other names: c.350-1316G>C (NM_001258442.2); c.607+5G>C (NM_001258441.2, NM_001114094.2, NM_001258440.2).
Identifiers: ClinVar variation 972582 (VCV000972582.6), dbSNP rs782348426, ClinGen allele CA5623413.

ClinVar aggregate classification (germline): Uncertain significance (1 of 4 stars; one submission).

Conditions:
Agammaglobulinemia 4, autosomal recessive (AGM4). Also called: B cell linker protein deficiency; AGAMMAGLOBULINEMIA, AUTOSOMAL RECESSIVE, DUE TO BLNK DEFECT. Identifiers: MedGen C3150752, MONDO:0013289, OMIM 613502.

Allele frequency attached by ClinVar (database versions not stated): gnomAD exomes below 0.00001; ExAC 0.00001.

Submission:

Labcorp Genetics (formerly Invitae), Labcorp
Classification: Uncertain significance for Agammaglobulinemia 4, autosomal recessive. Last evaluated: 2019-10-25. Review status: criteria provided, single submitter. Criteria: Invitae Variant Classification Sherloc (09022015). Collection method: clinical testing. Allele origin: germline.
Comment: In summary, the available evidence is currently insufficient to determine the role of this variant in disease. Therefore, it has been classified as a Variant of Uncertain Significance. Nucleotide substitutions within the consensus splice site are a relatively common cause of aberrant splicing (PMID: 17576681, 9536098). Algorithms developed to predict the effect of sequence changes on RNA splicing suggest that this variant may disrupt the consensus splice site, but this prediction has not been confirmed by published transcriptional studies. This variant has not been reported in the literature in individuals with BLNK-related conditions. This variant is present in population databases (rs782348426, ExAC 0.002%). This sequence change falls in intron 7 of the BLNK gene. It does not directly change the encoded amino acid sequence of the BLNK protein, but it affects a nucleotide within the consensus splice site of the intron.

Literature cited by the submitters: PubMed 17576681; PubMed 9536098.